The following is an entry in ClinVar:

NM_032119.4(ADGRV1):c.1381G>C (p.Gly461Arg)

Gene: ADGRV1 (adhesion G protein-coupled receptor V1; plus strand). Cytogenetic location: 5q14.3.
Variant type: single nucleotide variant.
Coding change: c.1381G>C on transcript NM_032119.4 (MANE Select); coding-DNA position 1381, G replaced by C.
Protein change: p.Gly461Arg; replaces glycine 461 with arginine.
Molecular consequence: missense variant. On other transcripts: non-coding transcript variant (1).
Genome position (GRCh38, 1-based): chr5:90,628,704, G>C. VCF-style: chr5-90628704-G-C. GRCh37 (hg19) VCF-style: chr5-89924521-G-C.
Other names: short protein forms G461R.
Identifiers: ClinVar variation 3677831 (VCV003677831.2).

ClinVar aggregate classification (germline): Uncertain significance (1 of 4 stars; one submission).

gnomAD v4.1: 4 of 1,613,992 alleles (0.00025%); highest among the groups gnomAD compares: Non-Finnish European, 0.000085%; no homozygotes.

Submission:

Labcorp Genetics (formerly Invitae), Labcorp
Classification: Uncertain significance. Last evaluated: 2024-08-04. Review status: criteria provided, single submitter. Criteria: Invitae Variant Classification Sherloc (09022015). Collection method: clinical testing. Allele origin: germline.
Comment: This sequence change replaces glycine, which is neutral and non-polar, with arginine, which is basic and polar, at codon 461 of the ADGRV1 protein (p.Gly461Arg). This variant is not present in population databases (gnomAD no frequency). This variant has not been reported in the literature in individuals affected with ADGRV1-related conditions. Advanced modeling of protein sequence and biophysical properties (such as structural, functional, and spatial information, amino acid conservation, physicochemical variation, residue mobility, and thermodynamic stability) performed at Invitae indicates that this missense variant is not expected to disrupt ADGRV1 protein function with a negative predictive value of 95%. In summary, the available evidence is currently insufficient to determine the role of this variant in disease. Therefore, it has been classified as a Variant of Uncertain Significance.